The following is an entry in ClinVar:

NM_000051.4(ATM):c.1919A>G (p.Lys640Arg)

Gene: ATM (ATM serine/threonine kinase; plus strand). Cytogenetic location: 11q22.3.
Variant type: single nucleotide variant.
Coding change: c.1919A>G on transcript NM_000051.4 (MANE Select); coding-DNA position 1919, A replaced by G.
Protein change: p.Lys640Arg; replaces lysine 640 with arginine.
Molecular consequence: missense variant.
Genome position (GRCh38, 1-based): chr11:108,253,834, A>G. VCF-style: chr11-108253834-A-G. GRCh37 (hg19) VCF-style: chr11-108124561-A-G.
Other names: c.1919A>G, p.Lys640Arg (NM_001351834.2); short protein forms K640R.
Identifiers: ClinVar variation 2819557 (VCV002819557.3), dbSNP rs2135366191, ClinGen allele CA382536438.

ClinVar aggregate classification (germline): Uncertain significance (1 of 4 stars; one submission).

Conditions:
Ataxia-telangiectasia syndrome (AT). Also called: ATAXIA-TELANGIECTASIA, COMPLEMENTATION GROUP A; Ataxia telangiectasia (A-T); Cerebello-oculocutaneous telangiectasia; Immunodeficiency with ataxia telangiectasia; LOUIS-BAR SYNDROME; ATAXIA-TELANGIECTASIA, FRESNO VARIANT. Identifiers: Orphanet 100, MedGen C0004135, MONDO:0008840, OMIM 208900.

Submission:

Labcorp Genetics (formerly Invitae), Labcorp
Classification: Uncertain significance for Ataxia-telangiectasia syndrome. Last evaluated: 2022-12-08. Review status: criteria provided, single submitter. Criteria: Invitae Variant Classification Sherloc (09022015). Collection method: clinical testing. Allele origin: germline.
Comment: This variant is not present in population databases (gnomAD no frequency). This sequence change replaces lysine, which is basic and polar, with arginine, which is basic and polar, at codon 640 of the ATM protein (p.Lys640Arg). In summary, the available evidence is currently insufficient to determine the role of this variant in disease. Therefore, it has been classified as a Variant of Uncertain Significance. Algorithms developed to predict the effect of sequence changes on RNA splicing suggest that this variant may disrupt the consensus splice site. Algorithms developed to predict the effect of missense changes on protein structure and function (SIFT, PolyPhen-2, Align-GVGD) all suggest that this variant is likely to be tolerated. This variant has not been reported in the literature in individuals affected with ATM-related conditions.